The following is an entry in ClinVar:

NM_001375524.1(TRRAP):c.2446C>T (p.Arg816Trp)

Gene: TRRAP (transformation/transcription domain associated protein; plus strand). Cytogenetic location: 7q22.1.
Variant type: single nucleotide variant.
Coding change: c.2446C>T on transcript NM_001375524.1 (MANE Select); coding-DNA position 2446, C replaced by T.
Protein change: p.Arg816Trp; replaces arginine 816 with tryptophan.
Molecular consequence: missense variant.
Genome position (GRCh38, 1-based): chr7:98,917,503, C>T. VCF-style: chr7-98917503-C-T. GRCh37 (hg19) VCF-style: chr7-98515126-C-T.
Other names: c.2446C>T (NM_003496.3); c.2446C>T, p.Arg816Trp (NM_001244580.2, NM_003496.4); short protein forms R816W.
Identifiers: ClinVar variation 2092224 (VCV002092224.9), dbSNP rs2484734819, ClinGen allele CA368291611.

ClinVar aggregate classification (germline): Conflicting classifications of pathogenicity. Review status: criteria provided, conflicting classifications (1 of 4 stars). 3 submissions from 3 submitters: Pathogenic (1); Uncertain significance (2). Last evaluated 2025-08-27.

Submissions (3):

GeneDx
Classification: Pathogenic. Last evaluated: 2025-08-27. Review status: criteria provided, single submitter. Criteria: GeneDx Variant Classification Process June 2021. Collection method: clinical testing. Allele origin: germline.
Comment: Not observed at significant frequency in large population cohorts (gnomAD); In silico analysis supports that this missense variant has a deleterious effect on protein structure/function; This variant is associated with the following publications: (PMID: 38764027)

Blueprint Genetics
Classification: Uncertain significance. Last evaluated: 2022-10-31. Review status: criteria provided, single submitter. Criteria: ACMG Guidelines, 2015. Collection method: clinical testing. Allele origin: germline.

Labcorp Genetics (formerly Invitae), Labcorp
Classification: Uncertain significance. Last evaluated: 2022-03-15. Review status: criteria provided, single submitter. Criteria: Invitae Variant Classification Sherloc (09022015). Collection method: clinical testing. Allele origin: germline.
Comment: This sequence change replaces arginine, which is basic and polar, with tryptophan, which is neutral and slightly polar, at codon 816 of the TRRAP protein (p.Arg816Trp). This variant is not present in population databases (gnomAD no frequency). This variant has not been reported in the literature in individuals affected with TRRAP-related conditions. Algorithms developed to predict the effect of missense changes on protein structure and function are either unavailable or do not agree on the potential impact of this missense change (SIFT: "Deleterious"; PolyPhen-2: "Probably Damaging"; Align-GVGD: "Class C0"). In summary, the available evidence is currently insufficient to determine the role of this variant in disease. Therefore, it has been classified as a Variant of Uncertain Significance.